The following is an entry in ClinVar:

NM_001036.6(RYR3):c.14091C>A (p.Asn4697Lys)

Genes: AVEN (apoptosis and caspase activation inhibitor; minus strand), RYR3 (ryanodine receptor 3; plus strand). Cytogenetic location: 15q14.
Variant type: single nucleotide variant.
Coding change: c.14091C>A on transcript NM_001036.6 (MANE Select); coding-DNA position 14091, C replaced by A.
Protein change: p.Asn4697Lys; replaces asparagine 4697 with lysine.
Molecular consequence: missense variant.
Genome position (GRCh38, 1-based): chr15:33,857,863, C>A. VCF-style: chr15-33857863-C-A. GRCh37 (hg19) VCF-style: chr15-34150064-C-A.
Other names: c.14076C>A, p.Asn4692Lys (NM_001243996.4); short protein forms N4692K, N4697K.
Identifiers: ClinVar variation 647526 (VCV000647526.8), dbSNP rs752422188, ClinGen allele CA7461891.
Genomic context (GRCh38, chr15:33,857,863, plus strand): 5'-GGCCGTGGTGGTTTATCTCTATACTGTGGTGGCTTTCAACTTCTTCCGCAAGTTCTACAA[C>A]AAAAGCGAAGACGATGACGAGCCCGATATGAAGTGCGACGACATGATGACGGTGAGAGCC-3'
Protein context (NP_001027.3, residues 4687-4707): VAFNFFRKFY[Asn4697Lys]KSEDDDEPDM

ClinVar aggregate classification (germline): Uncertain significance (1 of 4 stars; one submission).

Conditions:
Epileptic encephalopathy. Identifiers: MedGen C0543888, HP:0200134.

Allele frequency attached by ClinVar (database versions not stated): gnomAD 0.00001.
gnomAD v4.1: 1 of 1,614,080 alleles (0.000062%); highest among the groups gnomAD compares: African/African-American, 0.0013%; no homozygotes.

Submission:

Labcorp Genetics (formerly Invitae), Labcorp
Classification: Uncertain significance for Epileptic encephalopathy. Last evaluated: 2022-01-14. Review status: criteria provided, single submitter. Criteria: Invitae Variant Classification Sherloc (09022015). Collection method: clinical testing. Allele origin: germline.
Comment: In summary, the available evidence is currently insufficient to determine the role of this variant in disease. Therefore, it has been classified as a Variant of Uncertain Significance. Algorithms developed to predict the effect of missense changes on protein structure and function are either unavailable or do not agree on the potential impact of this missense change (SIFT: "Deleterious"; PolyPhen-2: "Probably Damaging"; Align-GVGD: "Class C0"). ClinVar contains an entry for this variant (Variation ID: 647526). This variant has not been reported in the literature in individuals affected with RYR3-related conditions. This variant is present in population databases (rs752422188, gnomAD 0.006%). This sequence change replaces asparagine, which is neutral and polar, with lysine, which is basic and polar, at codon 4697 of the RYR3 protein (p.Asn4697Lys).